The following is an entry in ClinVar:

ClinVar aggregate classification (germline): Uncertain significance (1 of 4 stars; one submission).

Submission:

Labcorp Genetics (formerly Invitae), Labcorp
Classification: Uncertain significance. Last evaluated: 2024-09-26. Review status: criteria provided, single submitter. Criteria: Invitae Variant Classification Sherloc (09022015). Collection method: clinical testing. Allele origin: germline.
Comment: This sequence change replaces aspartic acid, which is acidic and polar, with asparagine, which is neutral and polar, at codon 490 of the LONP1 protein (p.Asp490Asn). This variant is not present in population databases (gnomAD no frequency). This variant has not been reported in the literature in individuals affected with LONP1-related conditions. Invitae Evidence Modeling of protein sequence and biophysical properties (such as structural, functional, and spatial information, amino acid conservation, physicochemical variation, residue mobility, and thermodynamic stability) indicates that this missense variant is not expected to disrupt LONP1 protein function with a negative predictive value of 80%. In summary, the available evidence is currently insufficient to determine the role of this variant in disease. Therefore, it has been classified as a Variant of Uncertain Significance.

NM_004793.4(LONP1):c.1468G>A (p.Asp490Asn)

Gene: LONP1 (lon peptidase 1, mitochondrial; minus strand). Cytogenetic location: 19p13.3.
Variant type: single nucleotide variant.
Coding change: c.1468G>A on transcript NM_004793.4 (MANE Select); coding-DNA position 1468, G replaced by A.
Protein change: p.Asp490Asn; replaces aspartic acid 490 with asparagine.
Molecular consequence: missense variant. On other transcripts: non-coding transcript variant (1).
Genome position (GRCh38, 1-based): chr19:5,700,827, C>T on the plus strand (G>A on the coding strand, the complement: LONP1 is on the minus strand). VCF-style: chr19-5700827-C-T. GRCh37 (hg19) VCF-style: chr19-5700838-C-T.
Other names: c.1276G>A, p.Asp426Asn (NM_001276479.2); c.880G>A, p.Asp294Asn (NM_001276480.1); short protein forms D426N, D294N, D490N.
Identifiers: ClinVar variation 3632317 (VCV003632317.2).